The following is an entry in ClinVar:

ClinVar aggregate classification (germline): Uncertain significance (1 of 4 stars; one submission).

Conditions:
Maple syrup urine disease (MSUD). Identifiers: Orphanet 511, MedGen C0024776, MeSH D008375, MONDO:0009563. Disease mechanism: loss of function.

Allele frequency attached by ClinVar (database versions not stated): ExAC 0.00001.

Submission:

Labcorp Genetics (formerly Invitae), Labcorp
Classification: Uncertain significance for Maple syrup urine disease. Last evaluated: 2022-03-11. Review status: criteria provided, single submitter. Criteria: Invitae Variant Classification Sherloc (09022015). Collection method: clinical testing. Allele origin: germline.
Comment: This sequence change replaces glutamine, which is neutral and polar, with histidine, which is basic and polar, at codon 321 of the DBT protein (p.Gln321His). This variant is present in population databases (rs762063921, gnomAD 0.006%). This variant has not been reported in the literature in individuals affected with DBT-related conditions. Advanced modeling of protein sequence and biophysical properties (such as structural, functional, and spatial information, amino acid conservation, physicochemical variation, residue mobility, and thermodynamic stability) performed at Invitae indicates that this missense variant is not expected to disrupt DBT protein function. In summary, the available evidence is currently insufficient to determine the role of this variant in disease. Therefore, it has been classified as a Variant of Uncertain Significance.

NM_001918.5(DBT):c.963G>C (p.Gln321His)

Gene: DBT (dihydrolipoamide branched chain transacylase E2; minus strand). Cytogenetic location: 1p21.2.
Variant type: single nucleotide variant.
Coding change: c.963G>C on transcript NM_001918.5 (MANE Select); coding-DNA position 963, G replaced by C.
Protein change: p.Gln321His; replaces glutamine 321 with histidine.
Molecular consequence: missense variant. On other transcripts: non-coding transcript variant (4).
Genome position (GRCh38, 1-based): chr1:100,210,748, C>G on the plus strand (G>C on the coding strand, the complement: DBT is on the minus strand). VCF-style: chr1-100210748-C-G. GRCh37 (hg19) VCF-style: chr1-100676304-C-G.
Other names: c.420G>C, p.Gln140His (NM_001399969.1, NM_001399972.1); short protein forms Q140H, Q321H.
Identifiers: ClinVar variation 1979680 (VCV001979680.1), dbSNP rs762063921, ClinGen allele CA969606.
Genomic context (GRCh38, chr1:100,210,748, plus strand): 5'-GCCAACCTTATATGTTATATTCTGGCAGTTTTCATCCACAGAAGCGTTAAGGATAGGAAA[C>G]TGTAGTAATCCCAAGGAAGCAGCCTGTTTAACAGAAAAAGAATGCAATTTTAGTACTTTT-3'
Protein context (NP_001909.4, residues 311-331): FLKAASLGLL[Gln321His]FPILNASVDE